The following is an entry in ClinVar:

NM_001458.5(FLNC):c.6434C>T (p.Pro2145Leu)

Genes: FLNC (filamin C; plus strand), FLNC-AS1 (FLNC antisense RNA 1; minus strand). Cytogenetic location: 7q32.1.
Variant type: single nucleotide variant.
Coding change: c.6434C>T on transcript NM_001458.5 (MANE Select); coding-DNA position 6434, C replaced by T.
Protein change: p.Pro2145Leu; replaces proline 2145 with leucine.
Molecular consequence: missense variant.
Genome position (GRCh38, 1-based): chr7:128,853,787, C>T. VCF-style: chr7-128853787-C-T. GRCh37 (hg19) VCF-style: chr7-128493841-C-T.
Other names: c.6335C>T, p.Pro2112Leu (NM_001127487.2); short protein forms P2112L, P2145L.
Identifiers: ClinVar variation 3756978 (VCV003756978.2).

ClinVar aggregate classification (germline): Uncertain significance (1 of 4 stars; one submission).

Conditions:
Distal myopathy with posterior leg and anterior hand involvement. Also called: WILLIAMS DISTAL MYOPATHY. Identifiers: Orphanet 63273, MedGen C3279722, MONDO:0013550, OMIM 614065.
Hypertrophic cardiomyopathy 26. Also called: Cardiomyopathy, familial hypertrophic, 26. Identifiers: Orphanet 75249, MedGen C4310749, MONDO:0014883, OMIM 617047.
Myofibrillar myopathy 5. Also called: Filaminopathy (type); FILAMINOPATHY, AUTOSOMAL DOMINANT. Identifiers: Orphanet 171445, MedGen C1836050, MONDO:0012289, OMIM 609524.

Submission:

Labcorp Genetics (formerly Invitae), Labcorp
Classification: Uncertain significance for Distal myopathy with posterior leg and anterior hand involvement; Myofibrillar myopathy 5; Hypertrophic cardiomyopathy 26. Last evaluated: 2025-05-07. Review status: criteria provided, single submitter. Criteria: Invitae Variant Classification Sherloc (09022015). Collection method: clinical testing. Allele origin: germline.
Comment: This sequence change replaces proline, which is neutral and non-polar, with leucine, which is neutral and non-polar, at codon 2145 of the FLNC protein (p.Pro2145Leu). This variant is not present in population databases (gnomAD no frequency). This variant has not been reported in the literature in individuals affected with FLNC-related conditions. ClinVar contains an entry for this variant (Variation ID: 3756978). Invitae Evidence Modeling of protein sequence and biophysical properties (such as structural, functional, and spatial information, amino acid conservation, physicochemical variation, residue mobility, and thermodynamic stability) has been performed for this missense variant. However, the output from this modeling did not meet the statistical confidence thresholds required to predict the impact of this variant on FLNC protein function. In summary, the available evidence is currently insufficient to determine the role of this variant in disease. Therefore, it has been classified as a Variant of Uncertain Significance.